The following is an entry in ClinVar:

NM_000744.7(CHRNA4):c.1057C>A (p.Pro353Thr)

Gene: CHRNA4 (cholinergic receptor nicotinic alpha 4 subunit; minus strand). Cytogenetic location: 20q13.33.
Variant type: single nucleotide variant.
Coding change: c.1057C>A on transcript NM_000744.7 (MANE Select); coding-DNA position 1057, C replaced by A.
Protein change: p.Pro353Thr; replaces proline 353 with threonine.
Molecular consequence: missense variant. On other transcripts: non-coding transcript variant (1).
Genome position (GRCh38, 1-based): chr20:63,350,354, G>T on the plus strand (C>A on the coding strand, the complement: CHRNA4 is on the minus strand). VCF-style: chr20-63350354-G-T. GRCh37 (hg19) VCF-style: chr20-61981706-G-T.
Other names: c.529C>A, p.Pro177Thr (NM_001256573.2); short protein forms P353T, P177T.
Identifiers: ClinVar variation 543516 (VCV000543516.8), dbSNP rs201052218, ClinGen allele CA409635349.

ClinVar aggregate classification (germline): Uncertain significance (1 of 4 stars; one submission).

Conditions:
Familial sleep-related hypermotor epilepsy. Also called: Autosomal Dominant Sleep-Related Hypermotor (Hyperkinetic) Epilepsy. Identifiers: Orphanet 98784, MedGen C3696898, MONDO:0000030.

Allele frequency attached by ClinVar (database versions not stated): TOPMed below 0.00001; gnomAD 0.00001.
gnomAD v4.1: 2 of 1,613,480 alleles (0.00012%); highest among the groups gnomAD compares: Non-Finnish European, 0.00017%; no homozygotes.

Submission:

Labcorp Genetics (formerly Invitae), Labcorp
Classification: Uncertain significance. Last evaluated: 2020-10-28. Review status: criteria provided, single submitter. Criteria: Invitae Variant Classification Sherloc (09022015). Collection method: clinical testing. Allele origin: germline.
Comment: In summary, the available evidence is currently insufficient to determine the role of this variant in disease. Therefore, it has been classified as a Variant of Uncertain Significance. Algorithms developed to predict the effect of missense changes on protein structure and function (SIFT, PolyPhen-2, Align-GVGD) all suggest that this variant is likely to be disruptive, but these predictions have not been confirmed by published functional studies and their clinical significance is uncertain. This variant has not been reported in the literature in individuals with CHRNA4-related disease. This variant is not present in population databases (ExAC no frequency). This sequence change replaces proline with threonine at codon 353 of the CHRNA4 protein (p.Pro353Thr). The proline residue is highly conserved and there is a small physicochemical difference between proline and threonine.